The following is an entry in ClinVar:

NM_001042432.2(CLN3):c.175G>A (p.Ala59Thr)

Gene: CLN3 (CLN3 lysosomal/endosomal transmembrane protein, battenin; minus strand). Cytogenetic location: 16p12.1.
Variant type: single nucleotide variant.
Coding change: c.175G>A on transcript NM_001042432.2 (MANE Select); coding-DNA position 175, G replaced by A.
Protein change: p.Ala59Thr; replaces alanine 59 with threonine.
Molecular consequence: missense variant. On other transcripts: 5 prime UTR variant (1).
Genome position (GRCh38, 1-based): chr16:28,489,337, C>T on the plus strand (G>A on the coding strand, the complement: CLN3 is on the minus strand). VCF-style: chr16-28489337-C-T. GRCh37 (hg19) VCF-style: chr16-28500658-C-T.
Other names: c.175G>A, p.Ala59Thr (NM_000086.2, NM_001286104.2); c.-46G>A (NM_001286105.2); c.13G>A, p.Ala5Thr (NM_001286109.2, NM_001286110.2); short protein forms A5T, A59T.
Identifiers: ClinVar variation 950856 (VCV000950856.24), dbSNP rs765893479, ClinGen allele CA7981034.

ClinVar aggregate classification (germline): Pathogenic/Likely pathogenic. Review status: criteria provided, multiple submitters, no conflicts (2 of 4 stars). 9 submissions from 9 submitters: Pathogenic (6); Likely pathogenic (3). Last evaluated 2026-08-31.

Conditions:
Inborn genetic diseases. Identifiers: MedGen C0950123, MeSH D030342.
Neuronal ceroid lipofuscinosis 3 (CLN3). Identifiers: Orphanet 228346, MedGen C0751383, MONDO:0008767, OMIM 204200.
Juvenile neuronal ceroid lipofuscinosis. Also called: Batten Disease. Identifiers: Orphanet 79264, MedGen CN293564, MONDO:0019262.
Neuronal ceroid lipofuscinosis. Also called: Neuronal Ceroid Lipofuscinoses. Identifiers: Orphanet 216, Orphanet 79263, MedGen C0027877, MONDO:0016295. Disease mechanism: loss of function.
CLN3-related disorders.
Retinal dystrophy. Also called: Inherited retinal dystrophy. Identifiers: Orphanet 71862, MedGen C0854723, MeSH D058499, MONDO:0019118, HP:0000556.

Allele frequency attached by ClinVar (database versions not stated): gnomAD 0.00002; gnomAD exomes 0.00002 and 0.00003; TOPMed 0.00002; ExAC 0.00004.
gnomAD v4.1: 43 of 1,613,226 alleles (0.0027%); highest among the groups gnomAD compares: African/African-American, 0.004%; no homozygotes.

Submissions (9):

GeneDx
Classification: Pathogenic. Last evaluated: 2026-08-31. Review status: criteria provided, single submitter. Criteria: GeneDx Variant Classification Process June 2021. Collection method: clinical testing. Allele origin: germline.
Comment: Published functional studies demonstrate that the variant causes altered splicing of the CLN3 pre-mRNA, protein expression, cell histology, and SCMAS expression (PMID: 33497524); In silico analysis supports that this missense variant has a deleterious effect on protein structure/function; Not observed at significant frequency in large population cohorts (gnomAD); This variant is associated with the following publications: (PMID: 27104957, 29753273, 33507216, 32441891, 30446867, 33497524, 36912596, Vasallo2025[Case report], 36819107, 38540785, 38927562)

Women's Health and Genetics/Laboratory Corporation of America, LabCorp
Classification: Pathogenic for Neuronal ceroid lipofuscinosis. Last evaluated: 2026-06-24. Review status: criteria provided, single submitter. Criteria: LabCorp Variant Classification Summary - May 2015. Collection method: clinical testing. Allele origin: germline.
Comment: Variant summary: CLN3 c.175G>A (p.Ala59Thr) results in a non-conservative amino acid change in the encoded protein sequence. Algorithms developed to predict the effect of missense changes on protein structure and function all suggest that this variant is likely to be disruptive. The variant allele was found at a frequency of 2e-05 in 249916 control chromosomes. c.175G>A has been observed in multiple individuals affected with non-syndromic CLN3-associated retinitis pigmentosa (e.g. Zhang_2018, Chen_2019, Kolesnikova_2023, Panneman_2023, Internal_testing). These data indicate that the variant is very likely to be associated with disease. In functional studies, the variant was reported to lead to altered splicing (Chen_2019). Correction of the c.175G>A variant restored CLN3 mRNA and protein expression, prevented accumulation of SCMAS, and reduced vacuolization of photoreceptor inner segments (Zhang_2020). ClinVar contains an entry for this variant (Variation ID: 950856). Based on the evidence outlined above, the variant was classified as pathogenic.

Labcorp Genetics (formerly Invitae), Labcorp
Classification: Pathogenic for Neuronal ceroid lipofuscinosis. Last evaluated: 2026-01-27. Review status: criteria provided, single submitter. Criteria: Invitae Variant Classification Sherloc (09022015). Collection method: clinical testing. Allele origin: germline.
Comment: This sequence change replaces alanine, which is neutral and non-polar, with threonine, which is neutral and polar, at codon 59 of the CLN3 protein (p.Ala59Thr). This variant is present in population databases (rs765893479, gnomAD 0.004%). This missense change has been observed in individual(s) with retinitis pigmentosa (PMID: 30446867; internal data). In at least one individual the data is consistent with being in trans (on the opposite chromosome) from a pathogenic variant. It has also been observed to segregate with disease in related individuals. ClinVar contains an entry for this variant (Variation ID: 950856). Invitae Evidence Modeling of protein sequence and biophysical properties (such as structural, functional, and spatial information, amino acid conservation, physicochemical variation, residue mobility, and thermodynamic stability) indicates that this missense variant is expected to disrupt CLN3 protein function with a positive predictive value of 95%. For these reasons, this variant has been classified as Pathogenic.

Natera, Inc.
Classification: Likely pathogenic for Batten Disease. Last evaluated: 2025-07-08. Review status: criteria provided, single submitter. Criteria: Natera Variant Classification Schema (03/2026). Collection method: clinical testing. Allele origin: germline.
Comment: The c.175G>A variant in CLN3 is a missense variant predicted to cause substitution of alanine to threonine at amino acid 59. This variant is rare in the general population with a frequency below the threshold expected for the associated phenotype(s). This variant has been observed in one or more individuals affected with the associated recessive disease, as either homozygous or compound heterozygous with a second variant (PMID: 36912596, 29753273). Functional studies show that this variant may disrupt protein function (PMID: 33497524). Computational prediction algorithms indicate this variant is likely to affect gene or protein function. Given the available evidence, this variant is classified as Likely Pathogenic.

Myriad Genetics, Inc.
Classification: Likely pathogenic for Neuronal ceroid lipofuscinosis 3. Last evaluated: 2024-07-31. Review status: criteria provided, single submitter. Criteria: Myriad Autosomal Dominant, Autosomal Recessive and X-Linked Classification Criteria (2023). Collection method: clinical testing. Allele origin: unknown.
Comment: NM_001042432.1(CLN3):c.175G>A(A59T) is a missense variant classified as likely pathogenic in the context of CLN3-related disorders. A59T has been observed in cases with relevant disease (PMID: 30446867, 36912596, 36819107, 38540785). Relevant functional assessments of this variant are available in the literature (PMID: 30446867, 33497524). A59T has been observed in referenced population frequency databases. In summary, NM_001042432.1(CLN3):c.175G>A(A59T) is a missense variant in a gene where loss of function is a known mechanism of disease, is predicted to disrupt protein function, and has been observed more frequently in cases with the relevant disease than in healthy populations. Please note: this variant was assessed in the context of healthy population screening.

Baylor Genetics
Classification: Likely pathogenic for Neuronal ceroid lipofuscinosis 3. Last evaluated: 2024-03-03. Review status: criteria provided, single submitter. Criteria: ACMG Guidelines, 2015. Collection method: clinical testing. Allele origin: unknown.

Ambry Genetics
Classification: Pathogenic for Inborn genetic diseases. Last evaluated: 2023-09-12. Review status: criteria provided, single submitter. Criteria: Ambry Variant Classification Scheme 2023. Collection method: clinical testing. Allele origin: germline.
Comment: The c.175G>A (p.A59T) alteration is located in exon 4 (coding exon 3) of the CLN3 gene. This alteration results from a G to A substitution at nucleotide position 175, causing the alanine (A) at amino acid position 59 to be replaced by a threonine (T). Based on data from gnomAD, the A allele has an overall frequency of 0.002% (6/281296) total alleles studied. The highest observed frequency was 0.004% (1/24784) of African alleles. This alteration was detected in conjunction with another alteration in CLN3 in multiple individuals with CLN3- related disorders (Chen, 2019; external communication). This amino acid position is highly conserved in available vertebrate species. This alteration is predicted to be deleterious by in silico analysis. Based on the available evidence, this alteration is classified as pathogenic.

Blueprint Genetics
Classification: Pathogenic for CLN3-related disorders. Last evaluated: 2022-09-07. Review status: criteria provided, single submitter. Criteria: ACMG Guidelines, 2015. Collection method: clinical testing. Allele origin: germline. Affected: yes. Observed: 5 variant alleles.

Institute of Human Genetics, Univ. Regensburg, Univ. Regensburg
Classification: Pathogenic for Retinal dystrophy. Last evaluated: 2021-01-01. Review status: criteria provided, single submitter. Criteria: ACMG Guidelines, 2015. Collection method: clinical testing. Allele origin: germline. Affected: yes.

Literature cited by the submitters: PubMed 33507216 (cited by Women's Health and Genetics/Laboratory Corporation of America, LabCorp); PubMed 30446867 (cited by 5 submitters); PubMed 27104957 (cited by Women's Health and Genetics/Laboratory Corporation of America, LabCorp); PubMed 33497524 (cited by 4 submitters); PubMed 29753273 (cited by Women's Health and Genetics/Laboratory Corporation of America, LabCorp and Natera, Inc.); PubMed 36819107 (cited by 3 submitters); PubMed 38540785 (cited by Women's Health and Genetics/Laboratory Corporation of America, LabCorp and Myriad Genetics, Inc.); PubMed 36912596 (cited by 3 submitters).